The following is an entry in ClinVar:

ClinVar aggregate classification (germline): Uncertain significance (1 of 4 stars; one submission).

Conditions:
Cardiovascular phenotype. Identifiers: MedGen CN230736.

gnomAD v4.1: 2 of 1,613,936 alleles (0.00012%); highest among the groups gnomAD compares: Non-Finnish European, 0.000085%; no homozygotes.

Submission:

Ambry Genetics
Classification: Uncertain significance for Cardiovascular phenotype. Last evaluated: 2025-09-18. Review status: criteria provided, single submitter. Criteria: Ambry Variant Classification Scheme 2023. Collection method: clinical testing. Allele origin: germline.
Comment: The p.V2799I variant (also known as c.8395G>A), located in coding exon 33 of the AKAP9 gene, results from a G to A substitution at nucleotide position 8395. The valine at codon 2799 is replaced by isoleucine, an amino acid with highly similar properties. This amino acid position is conserved. In addition, this alteration is predicted to be tolerated by in silico analysis. Based on the available evidence, the clinical significance of this variant remains unclear.

NM_005751.5(AKAP9):c.8395G>A (p.Val2799Ile)

Gene: AKAP9 (A-kinase anchoring protein 9; plus strand). Cytogenetic location: 7q21.2.
Variant type: single nucleotide variant.
Coding change: c.8395G>A on transcript NM_005751.5 (MANE Select); coding-DNA position 8395, G replaced by A.
Protein change: p.Val2799Ile; replaces valine 2799 with isoleucine.
Molecular consequence: missense variant.
Genome position (GRCh38, 1-based): chr7:92,083,404, G>A. VCF-style: chr7-92083404-G-A. GRCh37 (hg19) VCF-style: chr7-91712718-G-A.
Other names: c.3040G>A, p.Val1014Ile (NM_001379277.1); c.8371G>A, p.Val2791Ile (NM_147185.3); short protein forms V2791I, V2799I, V1014I.
Identifiers: ClinVar variation 4613380 (VCV004613380.1).